The following is an entry in ClinVar:

NM_004320.6(ATP2A1):c.2762C>T (p.Ser921Phe)

Gene: ATP2A1 (ATPase sarcoplasmic/endoplasmic reticulum Ca2+ transporting 1; plus strand). Cytogenetic location: 16p11.2.
Variant type: single nucleotide variant.
Coding change: c.2762C>T on transcript NM_004320.6 (MANE Select); coding-DNA position 2762, C replaced by T.
Protein change: p.Ser921Phe; replaces serine 921 with phenylalanine.
Molecular consequence: missense variant.
Genome position (GRCh38, 1-based): chr16:28,903,047, C>T. VCF-style: chr16-28903047-C-T. GRCh37 (hg19) VCF-style: chr16-28914368-C-T.
Other names: c.2387C>T, p.Ser796Phe (NM_001286075.2); c.2762C>T, p.Ser921Phe (NM_173201.5); c.2762C>T (NM_173201.3); short protein forms S921F, S796F.
Identifiers: ClinVar variation 1384399 (VCV001384399.7), dbSNP rs2152215339, ClinGen allele CA395415440.

ClinVar aggregate classification (germline): Uncertain significance. Review status: criteria provided, multiple submitters, no conflicts (2 of 4 stars). 2 submissions from 2 submitters: Uncertain significance (2). Last evaluated 2025-10-18.

Conditions:
Inborn genetic diseases. Identifiers: MedGen C0950123, MeSH D030342.
Brody myopathy. Also called: BRODY DISEASE. Identifiers: Orphanet 53347, MedGen C1832918, MONDO:0010977, OMIM 601003.

Submissions (2):

Ambry Genetics
Classification: Uncertain significance for Inborn genetic diseases. Last evaluated: 2025-10-18. Review status: criteria provided, single submitter. Criteria: Ambry Variant Classification Scheme 2023. Collection method: clinical testing. Allele origin: germline.

Labcorp Genetics (formerly Invitae), Labcorp
Classification: Uncertain significance for Brody myopathy. Last evaluated: 2021-10-08. Review status: criteria provided, single submitter. Criteria: Invitae Variant Classification Sherloc (09022015). Collection method: clinical testing. Allele origin: germline.
Comment: This sequence change replaces serine with phenylalanine at codon 921 of the ATP2A1 protein (p.Ser921Phe). The serine residue is highly conserved and there is a large physicochemical difference between serine and phenylalanine. This variant is not present in population databases (ExAC no frequency). In summary, the available evidence is currently insufficient to determine the role of this variant in disease. Therefore, it has been classified as a Variant of Uncertain Significance. Algorithms developed to predict the effect of missense changes on protein structure and function are either unavailable or do not agree on the potential impact of this missense change (SIFT: "Deleterious"; PolyPhen-2: "Probably Damaging"; Align-GVGD: "Class C0"). This variant has not been reported in the literature in individuals affected with ATP2A1-related conditions.